The following is an entry in ClinVar:

ClinVar aggregate classification (germline): Uncertain significance (1 of 4 stars; one submission).

Conditions:
Holoprosencephaly 2 (HPE2). Identifiers: Orphanet 2162, MedGen C1834877, MONDO:0007999, OMIM 157170.

Submission:

Labcorp Genetics (formerly Invitae), Labcorp
Classification: Uncertain significance for Holoprosencephaly 2. Last evaluated: 2022-11-08. Review status: criteria provided, single submitter. Criteria: Invitae Variant Classification Sherloc (09022015). Collection method: clinical testing. Allele origin: germline.
Comment: This sequence change replaces serine, which is neutral and polar, with asparagine, which is neutral and polar, at codon 306 of the SIX3 protein (p.Ser306Asn). This variant is not present in population databases (gnomAD no frequency). This variant has not been reported in the literature in individuals affected with SIX3-related conditions. Algorithms developed to predict the effect of missense changes on protein structure and function are either unavailable or do not agree on the potential impact of this missense change (SIFT: "Tolerated"; PolyPhen-2: "Possibly Damaging"; Align-GVGD: "Class C0"). In summary, the available evidence is currently insufficient to determine the role of this variant in disease. Therefore, it has been classified as a Variant of Uncertain Significance.

NM_005413.4(SIX3):c.917G>A (p.Ser306Asn)

Gene: SIX3 (SIX homeobox 3; plus strand). Cytogenetic location: 2p21.
Variant type: single nucleotide variant.
Coding change: c.917G>A on transcript NM_005413.4 (MANE Select); coding-DNA position 917, G replaced by A.
Protein change: p.Ser306Asn; replaces serine 306 with asparagine.
Molecular consequence: missense variant.
Genome position (GRCh38, 1-based): chr2:44,944,678, G>A. VCF-style: chr2-44944678-G-A. GRCh37 (hg19) VCF-style: chr2-45171817-G-A.
Other names: short protein forms S306N.
Identifiers: ClinVar variation 2000706 (VCV002000706.4), dbSNP rs2466518685, ClinGen allele CA346800650.